The following is an entry in ClinVar:

ClinVar aggregate classification (germline): Uncertain significance (1 of 4 stars; one submission).

gnomAD v4.1: 1 of 1,614,046 alleles (0.000062%); highest among the groups gnomAD compares: Non-Finnish European, 0.000085%; no homozygotes.

Submission:

Labcorp Genetics (formerly Invitae), Labcorp
Classification: Uncertain significance. Last evaluated: 2025-07-02. Review status: criteria provided, single submitter. Criteria: Invitae Variant Classification Sherloc (09022015). Collection method: clinical testing. Allele origin: germline.
Comment: This sequence change replaces asparagine, which is neutral and polar, with threonine, which is neutral and polar, at codon 563 of the LAMB1 protein (p.Asn563Thr). This variant is not present in population databases (gnomAD no frequency). This variant has not been reported in the literature in individuals affected with LAMB1-related conditions. An algorithm developed to predict the effect of missense changes on protein structure and function (PolyPhen-2) suggests that this variant is likely to be tolerated. In summary, the available evidence is currently insufficient to determine the role of this variant in disease. Therefore, it has been classified as a Variant of Uncertain Significance.

NM_002291.3(LAMB1):c.1688A>C (p.Asn563Thr)

Gene: LAMB1 (laminin subunit beta 1; minus strand). Cytogenetic location: 7q31.1.
Variant type: single nucleotide variant.
Coding change: c.1688A>C on transcript NM_002291.3 (MANE Select); coding-DNA position 1688, A replaced by C.
Protein change: p.Asn563Thr; replaces asparagine 563 with threonine.
Molecular consequence: missense variant.
Genome position (GRCh38, 1-based): chr7:107,964,562, T>G on the plus strand (A>C on the coding strand, the complement: LAMB1 is on the minus strand). VCF-style: chr7-107964562-T-G. GRCh37 (hg19) VCF-style: chr7-107605007-T-G.
Other names: short protein forms N563T.
Identifiers: ClinVar variation 4722143 (VCV004722143.1).